The following is an entry in ClinVar:

ClinVar aggregate classification (germline): Pathogenic (1 of 4 stars; one submission).

Conditions:
Hereditary cancer-predisposing syndrome. Also called: Tumor predisposition; Hereditary neoplastic syndrome; Hereditary Cancer Syndrome; Neoplastic Syndromes, Hereditary. Identifiers: Orphanet 140162, MedGen C0027672, MeSH D009386, MONDO:0015356.

Submission:

Ambry Genetics
Classification: Pathogenic for Hereditary cancer-predisposing syndrome. Last evaluated: 2024-02-15. Review status: criteria provided, single submitter. Criteria: Ambry Variant Classification Scheme 2023. Collection method: clinical testing. Allele origin: germline.
Comment: The p.G109* pathogenic mutation (also known as c.325G>T), located in coding exon 5 of the BAP1 gene, results from a G to T substitution at nucleotide position 325. This changes the amino acid from a glycine to a stop codon within coding exon 5. This variant has been observed in at least one individual with a personal and/or family history that is consistent with BAP1-related tumor predisposition syndrome (Ambry internal data). This variant is considered to be rare based on population cohorts in the Genome Aggregation Database (gnomAD). This alteration is expected to result in loss of function by premature protein truncation or nonsense-mediated mRNA decay. As such, this alteration is interpreted as a disease-causing mutation.

NM_004656.4(BAP1):c.325G>T (p.Gly109Ter)

Gene: BAP1 (BRCA1 associated deubiquitinase 1; minus strand). Cytogenetic location: 3p21.1.
Variant type: single nucleotide variant.
Coding change: c.325G>T on transcript NM_004656.4 (MANE Select); coding-DNA position 325, G replaced by T.
Protein change: p.Gly109Ter; replaces glycine 109 with a stop codon.
Molecular consequence: nonsense.
Genome position (GRCh38, 1-based): chr3:52,408,008, C>A on the plus strand (G>T on the coding strand, the complement: BAP1 is on the minus strand). VCF-style: chr3-52408008-C-A. GRCh37 (hg19) VCF-style: chr3-52442024-C-A.
Other names: c.325G>T, p.Gly109Ter (NM_001410772.1); short protein forms G109*.
Identifiers: ClinVar variation 3224463 (VCV003224463.1), dbSNP rs2471354773, ClinGen allele CA353112154.
Genomic context (GRCh38, chr3:52,408,008, plus strand): 5'-TGCAGCCTACCTCAGGGCTGAAACCCTTGGTGAAGTCCTTCATGCGACTCAGGGTGGGTC[C>A]CAGGTCCACGCTGCTGCAGTTCAGGAGCACGCTCAGCAAGGCATGAGTTGCACAAGAGTT-3'